The following is an entry in ClinVar:

NC_000007.13:g.(117230494_117231987)_(117235113_117242879)del

Gene: CFTR (CF transmembrane conductance regulator; plus strand). Cytogenetic location: 7q31.2.
Variant type: Deletion.
Identifiers: ClinVar variation 3336239 (VCV003336239.1).

ClinVar aggregate classification (germline): Pathogenic (1 of 4 stars; one submission).

Conditions:
Cystic fibrosis (CF). Also called: MUCOVISCIDOSIS. Identifiers: Orphanet 586, MedGen C0010674, MONDO:0009061, OMIM 219700. Disease mechanism: loss of function.

Submission:

Women's Health and Genetics/Laboratory Corporation of America, LabCorp
Classification: Pathogenic for Cystic fibrosis. Last evaluated: 2024-05-02. Review status: criteria provided, single submitter. Criteria: LabCorp Variant Classification Summary - May 2015. Collection method: clinical testing. Allele origin: germline.
Comment: Variant summary: The variant involves the deletion of exons 14-15 in the CFTR gene. A presumed nomenclature of c.(1766+1_1767-1)_(2619+1_2620-1)del has been designated for the purposes of this classification. This Copy Number Variant (CNV) is expected to alter the reading frame and predicted to result in a truncation or absence of the encoded protein due to nonsense mediated decay (NMD). The variant was absent in 21694 control chromosomes (gnomAD SVs v2). c.(1766+1_1767-1)_(2619+1_2620-1)del has been reported in the literature in individuals affected with Cystic Fibrosis (examples, Ahting_2023).These data do not allow any conclusion about variant significance. To our knowledge, no experimental evidence demonstrating an impact on protein function has been reported. The following publication have been ascertained in the context of this evaluation (PMID: 37867076). No submitters have cited clinical-significance assessments for this variant to ClinVar. Based on the evidence outlined above, the variant was classified as pathogenic.

Literature cited by the submitters: PubMed 37867076.